The following is an entry in ClinVar:

NM_001378609.3(OTOGL):c.3911A>T (p.His1304Leu)

Gene: OTOGL (otogelin like; plus strand). Cytogenetic location: 12q21.31.
Variant type: single nucleotide variant.
Coding change: c.3911A>T on transcript NM_001378609.3 (MANE Select); coding-DNA position 3911, A replaced by T.
Protein change: p.His1304Leu; replaces histidine 1304 with leucine.
Molecular consequence: missense variant.
Genome position (GRCh38, 1-based): chr12:80,320,530, A>T. VCF-style: chr12-80320530-A-T. GRCh37 (hg19) VCF-style: chr12-80714310-A-T.
Other names: c.3776A>T, p.His1259Leu (NM_001368062.3); c.3911A>T, p.His1304Leu (NM_001378610.3, NM_173591.7); short protein forms H1295L, H1259L, H1304L.
Identifiers: ClinVar variation 229119 (VCV000229119.13), dbSNP rs187723280, ClinGen allele CA6701208.
Genomic context (GRCh38, chr12:80,320,530, plus strand): 5'-TCTATGTCCATGACAATGATACTCTTAGCTTGGAGCTGTGGGAGGCGAATTCAGCCTTTC[A>T]TCGGAGAGCAACATTTTTCCACCATCAGGGCCTCTGGATTCCTGGTTACAGTGCATTTGA-3'
Protein context (NP_001365538.2, residues 1294-1314): LELWEANSAF[His1304Leu]RRATFFHHQG

ClinVar aggregate classification (germline): Uncertain significance. Review status: criteria provided, multiple submitters, no conflicts (2 of 4 stars). 4 submissions from 4 submitters: Uncertain significance (4). Last evaluated 2026-01-06.

Conditions:
Inborn genetic diseases. Identifiers: MedGen C0950123, MeSH D030342.

Allele frequency attached by ClinVar (database versions not stated): gnomAD exomes 0.00011; gnomAD 0.00047 and 0.00048; ESP Exome Variant Server 0.00042; ExAC 0.00014; TOPMed 0.00050; 1000 Genomes Project 0.00120.
gnomAD v4.1: 129 of 1,613,642 alleles (0.008%); highest among the groups gnomAD compares: African/African-American, 0.15%; no homozygotes.

Submissions (4):

GeneDx
Classification: Uncertain significance. Last evaluated: 2026-01-06. Review status: criteria provided, single submitter. Criteria: GeneDx Variant Classification Process June 2021. Collection method: clinical testing. Allele origin: germline. Affected: yes.
Comment: In silico analysis supports that this missense variant has a deleterious effect on protein structure/function; Has not been previously published as pathogenic or benign to our knowledge

Ambry Genetics
Classification: Uncertain significance for Inborn genetic diseases. Last evaluated: 2025-08-28. Review status: criteria provided, single submitter. Criteria: Ambry Variant Classification Scheme 2023. Collection method: clinical testing. Allele origin: germline.

Labcorp Genetics (formerly Invitae), Labcorp
Classification: Uncertain significance. Last evaluated: 2022-06-03. Review status: criteria provided, single submitter. Criteria: Invitae Variant Classification Sherloc (09022015). Collection method: clinical testing. Allele origin: germline.
Comment: This sequence change replaces histidine, which is basic and polar, with leucine, which is neutral and non-polar, at codon 1295 of the OTOGL protein (p.His1295Leu). This variant is present in population databases (rs187723280, gnomAD 0.1%). This variant has not been reported in the literature in individuals affected with OTOGL-related conditions. ClinVar contains an entry for this variant (Variation ID: 229119). Algorithms developed to predict the effect of missense changes on protein structure and function (SIFT, PolyPhen-2, Align-GVGD) all suggest that this variant is likely to be tolerated. In summary, the available evidence is currently insufficient to determine the role of this variant in disease. Therefore, it has been classified as a Variant of Uncertain Significance.

Laboratory for Molecular Medicine, Mass General Brigham Personalized Medicine
Classification: Uncertain significance. Last evaluated: 2015-05-26. Review status: criteria provided, single submitter. Criteria: LMM Criteria. Collection method: clinical testing. Allele origin: germline. Observed: 1 variant allele.
Comment: Variant classified as Uncertain Significance - Favor Benign. The p.His1295Leu va riant in OTOGL has not been previously reported in individuals with hearing loss , but has been identified in 0.2% (15/9632) of African chromosomes by the Exome Aggregation Consortium (ExAC; dbSNP rs187723280) . Computational prediction tools and conservation analysis suggest that this var iant may not impact the protein, though this information is not predictive enoug h to rule out pathogenicity. In summary, while the clinical significance of the p.His1295Leu variant is uncertain, its frequency suggests that it is more likely to be benign.